The following is an entry in ClinVar:

ClinVar aggregate classification (germline): Pathogenic. Review status: criteria provided, multiple submitters, no conflicts (2 of 4 stars). 2 submissions from 2 submitters: Pathogenic (2). Last evaluated 2023-08-04.

Conditions:
DYRK1A-related intellectual disability syndrome (MRD7). Also called: Intellectual developmental disorder, autosomal dominant 7; DYRK1A Syndrome. Identifiers: Orphanet 464306, MedGen C5568143, MONDO:0013578, OMIM 614104.

Submissions (2):

Labcorp Genetics (formerly Invitae), Labcorp
Classification: Pathogenic for DYRK1A-related intellectual disability syndrome. Last evaluated: 2023-08-04. Review status: criteria provided, single submitter. Criteria: Invitae Variant Classification Sherloc (09022015). Collection method: clinical testing. Allele origin: germline.
Comment: For these reasons, this variant has been classified as Pathogenic. ClinVar contains an entry for this variant (Variation ID: 1076837). This variant has not been reported in the literature in individuals affected with DYRK1A-related conditions. This variant is not present in population databases (gnomAD no frequency). This sequence change creates a premature translational stop signal (p.Gln120*) in the DYRK1A gene. It is expected to result in an absent or disrupted protein product. Loss-of-function variants in DYRK1A are known to be pathogenic (PMID: 25944381).

GeneDx
Classification: Pathogenic. Last evaluated: 2020-12-01. Review status: criteria provided, single submitter. Criteria: GeneDx Variant Classification Process June 2021. Collection method: clinical testing. Allele origin: germline. Affected: yes.
Comment: Nonsense variant predicted to result in protein truncation or nonsense mediated decay in a gene for which loss-of-function is a known mechanism of disease; Not observed in large population cohorts (Lek et al., 2016); Has not been previously published as pathogenic or benign to our knowledge

Literature cited by the submitters: PubMed 25944381 (cited by Labcorp Genetics (formerly Invitae), Labcorp).

NM_001347721.2(DYRK1A):c.331C>T (p.Gln111Ter)

Gene: DYRK1A (dual specificity tyrosine phosphorylation regulated kinase 1A; plus strand). Cytogenetic location: 21q22.13.
Variant type: single nucleotide variant.
Coding change: c.331C>T on transcript NM_001347721.2 (MANE Select); coding-DNA position 331, C replaced by T.
Protein change: p.Gln111Ter; replaces glutamine 111 with a stop codon.
Molecular consequence: nonsense.
Genome position (GRCh38, 1-based): chr21:37,480,668, C>T. VCF-style: chr21-37480668-C-T. GRCh37 (hg19) VCF-style: chr21-38852970-C-T.
Other names: c.331C>T, p.Gln111Ter (NM_001347722.2, NM_130436.2); c.244C>T, p.Gln82Ter (NM_001347723.2); c.358C>T, p.Gln120Ter (NM_001396.5, NM_101395.2, NM_130438.2); short protein forms Q111*, Q120*, Q82*.
Identifiers: ClinVar variation 1076837 (VCV001076837.10), dbSNP rs1555980223, ClinGen allele CA409944026.
Genomic context (GRCh38, chr21:37,480,668, plus strand): 5'-TACAGTTAACACTATGTATTCTCATTTCAGGTTTACTATGCAAAAAAGAAGCGAAGACAC[C>T]AACAGGGCCAGGGAGACGATTCTAGTCATAAGAAGGAACGGAAGGTTTACAATGATGGTT-3'